The following is an entry in ClinVar:

NM_025114.4(CEP290):c.5911G>C (p.Val1971Leu)

Gene: CEP290 (centrosomal protein 290; minus strand). Cytogenetic location: 12q21.32.
Variant type: single nucleotide variant.
Coding change: c.5911G>C on transcript NM_025114.4 (MANE Select); coding-DNA position 5911, G replaced by C.
Protein change: p.Val1971Leu; replaces valine 1971 with leucine.
Molecular consequence: missense variant.
Genome position (GRCh38, 1-based): chr12:88,071,394, C>G on the plus strand (G>C on the coding strand, the complement: CEP290 is on the minus strand). VCF-style: chr12-88071394-C-G. GRCh37 (hg19) VCF-style: chr12-88465171-C-G.
Other names: c.5911G>C (NM_025114.3); short protein forms V1971L.
Identifiers: ClinVar variation 1036544 (VCV001036544.7), dbSNP rs2035364656, ClinGen allele CA385983869.

ClinVar aggregate classification (germline): Uncertain significance. Review status: criteria provided, multiple submitters, no conflicts (2 of 4 stars). 2 submissions from 2 submitters: Uncertain significance (2). Last evaluated 2025-02-12.

Conditions:
Joubert syndrome. Also called: Familial aplasia of the vermis; JOUBERT-BOLTSHAUSER SYNDROME. Identifiers: Orphanet 475, MedGen C5979921, MONDO:0018772.
Nephronophthisis. Also called: Juvenile Nephronophthisis. Identifiers: Orphanet 655, MedGen C0687120, MONDO:0019005, HP:0000090.
Meckel-Gruber syndrome. Also called: DYSENCEPHALIA SPLANCHNOCYSTICA; GRUBER SYNDROME; Dysencephalia splachnocystica. Identifiers: Orphanet 564, MedGen C0265215, MONDO:0018921.
CEP290-related disorder. Also called: CEP290-related disorders; CEP290-related condition. Identifiers: MedGen CN239314.

gnomAD v4.1: 1 of 1,611,818 alleles (0.000062%); highest among the groups gnomAD compares: Non-Finnish European, 0.000085%; no homozygotes.

Submissions (2):

PreventionGenetics, part of Exact Sciences
Classification: Uncertain significance for CEP290-related condition. Last evaluated: 2025-02-12. Review status: criteria provided, single submitter. Criteria: ACMG Guidelines, 2015. Collection method: clinical testing. Allele origin: germline.
Comment: The CEP290 c.5911G>C variant is predicted to result in the amino acid substitution p.Val1971Leu. To our knowledge, this variant has not been reported in the literature or in a large population database (gnomAD), indicating this variant is rare. At this time, the clinical significance of this variant is uncertain due to the absence of conclusive functional and genetic evidence.

Labcorp Genetics (formerly Invitae), Labcorp
Classification: Uncertain significance for Joubert syndrome; Meckel-Gruber syndrome; Nephronophthisis. Last evaluated: 2021-08-31. Review status: criteria provided, single submitter. Criteria: Invitae Variant Classification Sherloc (09022015). Collection method: clinical testing. Allele origin: germline.
Comment: This sequence change replaces valine with leucine at codon 1971 of the CEP290 protein (p.Val1971Leu). The valine residue is moderately conserved and there is a small physicochemical difference between valine and leucine. This variant is not present in population databases (ExAC no frequency). This variant has not been reported in the literature in individuals affected with CEP290-related conditions. Algorithms developed to predict the effect of missense changes on protein structure and function are either unavailable or do not agree on the potential impact of this missense change (SIFT: "Tolerated"; PolyPhen-2: "Possibly Damaging"; Align-GVGD: "Class C0"). In summary, the available evidence is currently insufficient to determine the role of this variant in disease. Therefore, it has been classified as a Variant of Uncertain Significance.